The following is an entry in ClinVar:

ClinVar aggregate classification (germline): Uncertain significance. Review status: criteria provided, multiple submitters, no conflicts (2 of 4 stars). 2 submissions from 2 submitters: Uncertain significance (2). Last evaluated 2025-07-21.

Conditions:
Hereditary cancer-predisposing syndrome. Also called: Neoplastic Syndromes, Hereditary; Hereditary Cancer Syndrome; Tumor predisposition; Hereditary neoplastic syndrome. Identifiers: Orphanet 140162, MedGen C0027672, MeSH D009386, MONDO:0015356.

Submissions (2):

Labcorp Genetics (formerly Invitae), Labcorp
Classification: Uncertain significance. Last evaluated: 2025-07-21. Review status: criteria provided, single submitter. Criteria: Invitae Variant Classification Sherloc (09022015). Collection method: clinical testing. Allele origin: germline.
Comment: This sequence change replaces glycine, which is neutral and non-polar, with tryptophan, which is neutral and slightly polar, at codon 76 of the CTNNA1 protein (p.Gly76Trp). This variant is not present in population databases (gnomAD no frequency). This variant has not been reported in the literature in individuals affected with CTNNA1-related conditions. ClinVar contains an entry for this variant (Variation ID: 1474199). Invitae Evidence Modeling of protein sequence and biophysical properties (such as structural, functional, and spatial information, amino acid conservation, physicochemical variation, residue mobility, and thermodynamic stability) indicates that this missense variant is expected to disrupt CTNNA1 protein function with a positive predictive value of 80%. In summary, the available evidence is currently insufficient to determine the role of this variant in disease. Therefore, it has been classified as a Variant of Uncertain Significance.

Ambry Genetics
Classification: Uncertain significance for Hereditary cancer-predisposing syndrome. Last evaluated: 2021-12-04. Review status: criteria provided, single submitter. Criteria: Ambry Variant Classification Scheme 2023. Collection method: clinical testing. Allele origin: germline.
Comment: The p.G76W variant (also known as c.226G>T), located in coding exon 2 of the CTNNA1 gene, results from a G to T substitution at nucleotide position 226. The glycine at codon 76 is replaced by tryptophan, an amino acid with highly dissimilar properties. This amino acid position is conserved. In addition, this alteration is predicted to be deleterious by in silico analysis. Since supporting evidence is limited at this time, the clinical significance of this alteration remains unclear.

NM_001903.5(CTNNA1):c.226G>T (p.Gly76Trp)

Gene: CTNNA1 (catenin alpha 1; plus strand). Cytogenetic location: 5q31.2.
Variant type: single nucleotide variant.
Coding change: c.226G>T on transcript NM_001903.5 (MANE Select); coding-DNA position 226, G replaced by T.
Protein change: p.Gly76Trp; replaces glycine 76 with tryptophan.
Molecular consequence: missense variant. On other transcripts: intron variant (2).
Genome position (GRCh38, 1-based): chr5:138,783,297, G>T. VCF-style: chr5-138783297-G-T. GRCh37 (hg19) VCF-style: chr5-138118986-G-T.
Other names: c.226G>T, p.Gly76Trp (NM_001290307.3, NM_001323982.2, NM_001323983.1 and 3 more transcripts); c.-6+25G>T (NM_001290310.3); c.-9+1268G>T (NM_001290309.3); short protein forms G76W.
Identifiers: ClinVar variation 1474199 (VCV001474199.8), dbSNP rs2149656630, ClinGen allele CA361477529.